The following is an entry in ClinVar:

NM_001605.3(AARS1):c.81C>T (p.His27=)

Gene: AARS1 (alanyl-tRNA synthetase 1; minus strand). Cytogenetic location: 16q22.1.
Variant type: single nucleotide variant.
Coding change: c.81C>T on transcript NM_001605.3 (MANE Select); coding-DNA position 81, C replaced by T.
Protein change: p.His27=; no amino-acid change (histidine 27 retained).
Molecular consequence: synonymous variant.
Genome position (GRCh38, 1-based): chr16:70,282,683, G>A on the plus strand (C>T on the coding strand, the complement: AARS1 is on the minus strand). VCF-style: chr16-70282683-G-A. GRCh37 (hg19) VCF-style: chr16-70316586-G-A.
Identifiers: ClinVar variation 515890 (VCV000515890.7), dbSNP rs750765656, ClinGen allele CA8141230.

ClinVar aggregate classification (germline): Likely benign. Review status: criteria provided, multiple submitters, no conflicts (2 of 4 stars). 3 submissions from 3 submitters: Likely benign (3). Last evaluated 2025-04-14.

Conditions:
Charcot-Marie-Tooth disease type 2. Also called: Charcot-Marie-Tooth type 2. Identifiers: Orphanet 64746, MedGen C0270914, MONDO:0018993.
Inborn genetic diseases. Identifiers: MedGen C0950123, MeSH D030342.

Allele frequency attached by ClinVar (database versions not stated): gnomAD 0.00001; gnomAD exomes 0.00002; TOPMed 0.00002; ExAC 0.00002.
gnomAD v4.1: 10 of 1,614,024 alleles (0.00062%); highest among the groups gnomAD compares: East Asian, 0.0089%; no homozygotes.

Submissions (3):

Labcorp Genetics (formerly Invitae), Labcorp
Classification: Likely benign for Charcot-Marie-Tooth disease type 2. Last evaluated: 2025-04-14. Review status: criteria provided, single submitter. Criteria: Invitae Variant Classification Sherloc (09022015). Collection method: clinical testing. Allele origin: germline.

Ambry Genetics
Classification: Likely benign for Inborn genetic diseases. Last evaluated: 2019-07-11. Review status: criteria provided, single submitter. Criteria: Ambry Variant Classification Scheme 2023. Collection method: clinical testing. Allele origin: germline.

GeneDx
Classification: Likely benign. Last evaluated: 2018-03-09. Review status: criteria provided, single submitter. Criteria: GeneDx Variant Classification (06012015). Collection method: clinical testing. Allele origin: germline. Affected: yes.
Comment: This variant is considered likely benign or benign based on one or more of the following criteria: it is a conservative change, it occurs at a poorly conserved position in the protein, it is predicted to be benign by multiple in silico algorithms, and/or has population frequency not consistent with disease.